The following is an entry in ClinVar:

ClinVar aggregate classification (germline): Uncertain significance (1 of 4 stars; one submission).

Conditions:
PKHD1-related disorder. Also called: PKHD1-related condition.

gnomAD v4.1: 30 of 1,614,218 alleles (0.0019%); highest among the groups gnomAD compares: East Asian, 0.0045%; no homozygotes.

Submission:

PreventionGenetics, part of Exact Sciences
Classification: Uncertain significance for PKHD1-related condition. Last evaluated: 2026-08-15. Review status: criteria provided, single submitter. Criteria: ACMG Guidelines, 2015. Collection method: clinical testing. Allele origin: germline.
Comment: The PKHD1 c.5005A>G variant is predicted to result in the amino acid substitution p.Ile1669Val. To our knowledge, this variant has not been reported in the literature. This variant is reported in 0.0026% of alleles in individuals of European (Non-Finnish) descent in gnomAD. At this time, the clinical significance of this variant is uncertain due to the absence of conclusive functional and genetic evidence.

NM_138694.4(PKHD1):c.5005A>G (p.Ile1669Val)

Genes: PKHD1 (PKHD1 ciliary IPT domain containing fibrocystin/polyductin; minus strand), LOC126859690 (MED14-independent group 3 enhancer GRCh37_chr6:51888848-51890047; plus strand). Cytogenetic location: 6p12.2.
Variant type: single nucleotide variant.
Coding change: c.5005A>G on transcript NM_138694.4 (MANE Select); coding-DNA position 5005, A replaced by G.
Protein change: p.Ile1669Val; replaces isoleucine 1669 with valine.
Molecular consequence: missense variant.
Genome position (GRCh38, 1-based): chr6:52,024,805, T>C on the plus strand (A>G on the coding strand, the complement: PKHD1 is on the minus strand). VCF-style: chr6-52024805-T-C. GRCh37 (hg19) VCF-style: chr6-51889603-T-C.
Other names: c.5005A>G, p.Ile1669Val (NM_170724.3); short protein forms I1669V.
Identifiers: ClinVar variation 4982778 (VCV004982778.1).